The following is an entry in ClinVar:

NM_014956.5(CEP164):c.784C>T (p.Gln262Ter)

Gene: CEP164 (centrosomal protein 164; plus strand). Cytogenetic location: 11q23.3.
Variant type: single nucleotide variant.
Coding change: c.784C>T on transcript NM_014956.5 (MANE Select); coding-DNA position 784, C replaced by T.
Protein change: p.Gln262Ter; replaces glutamine 262 with a stop codon.
Molecular consequence: nonsense.
Genome position (GRCh38, 1-based): chr11:117,371,098, C>T. VCF-style: chr11-117371098-C-T. GRCh37 (hg19) VCF-style: chr11-117241814-C-T.
Other names: c.784C>T, p.Gln262Ter (NM_001271933.2); short protein forms Q262*.
Identifiers: ClinVar variation 3727369 (VCV003727369.2).

ClinVar aggregate classification (germline): Pathogenic (1 of 4 stars; one submission).

Conditions:
Nephronophthisis 15 (NPHP15). Identifiers: Orphanet 3156, MedGen C3541853, MONDO:0013917, OMIM 614845.

Submission:

Labcorp Genetics (formerly Invitae), Labcorp
Classification: Pathogenic for Nephronophthisis 15. Last evaluated: 2024-12-15. Review status: criteria provided, single submitter. Criteria: Invitae Variant Classification Sherloc (09022015). Collection method: clinical testing. Allele origin: germline.
Comment: This sequence change creates a premature translational stop signal (p.Gln262*) in the CEP164 gene. It is expected to result in an absent or disrupted protein product. Loss-of-function variants in CEP164 are known to be pathogenic (PMID: 22863007, 28125082, 32367404, 34132027, 34499853). This variant is not present in population databases (gnomAD no frequency). This variant has not been reported in the literature in individuals affected with CEP164-related conditions. For these reasons, this variant has been classified as Pathogenic.

Literature cited by the submitters: PubMed 22863007; PubMed 28125082; PubMed 32367404; PubMed 34132027; PubMed 34499853.